The following is an entry in ClinVar:

ClinVar aggregate classification (germline): Uncertain significance. Review status: criteria provided, multiple submitters, no conflicts (2 of 4 stars). 2 submissions from 2 submitters: Uncertain significance (2). Last evaluated 2025-10-26.

Conditions:
Tietz syndrome (TADS). Also called: HYPOPIGMENTATION/DEAFNESS OF TIETZ; TIETZ ALBINISM-DEAFNESS SYNDROME; ALBINISM-DEAFNESS OF TIETZ. Identifiers: Orphanet 42665, MedGen C0391816, MONDO:0007077, OMIM 103500.
Waardenburg syndrome type 2A (WS2A). Also called: WAARDENBURG SYNDROME WITHOUT DYSTOPIA CANTHORUM. Identifiers: Orphanet 3440, MedGen C1860339, MONDO:0008671, OMIM 193510.
Melanoma, cutaneous malignant, susceptibility to, 8. Also called: Cutaneous malignant melanoma 8; MELANOMA AND RENAL CELL CARCINOMA, SUSCEPTIBILITY TO. Identifiers: Orphanet 293822, MedGen C3152204, MONDO:0013759, OMIM 614456.

Allele frequency attached by ClinVar (database versions not stated): gnomAD exomes 0.00001; TOPMed 0.00001.

Submissions (2):

Labcorp Genetics (formerly Invitae), Labcorp
Classification: Uncertain significance for Melanoma, cutaneous malignant, susceptibility to, 8; Waardenburg syndrome type 2A; Tietz syndrome. Last evaluated: 2025-10-26. Review status: criteria provided, single submitter. Criteria: Invitae Variant Classification Sherloc (09022015). Collection method: clinical testing. Allele origin: germline.
Comment: This sequence change replaces arginine, which is basic and polar, with glutamine, which is neutral and polar, at codon 406 of the MITF protein (p.Arg406Gln). This variant is present in population databases (no rsID available, gnomAD 0.003%). This variant has not been reported in the literature in individuals affected with MITF-related conditions. ClinVar contains an entry for this variant (Variation ID: 452346). Invitae Evidence Modeling of protein sequence and biophysical properties (such as structural, functional, and spatial information, amino acid conservation, physicochemical variation, residue mobility, and thermodynamic stability) indicates that this missense variant is not expected to disrupt MITF protein function with a negative predictive value of 80%. In summary, the available evidence is currently insufficient to determine the role of this variant in disease. Therefore, it has been classified as a Variant of Uncertain Significance.

GeneDx
Classification: Uncertain significance. Last evaluated: 2025-06-06. Review status: criteria provided, single submitter. Criteria: GeneDx Variant Classification Process June 2021. Collection method: clinical testing. Allele origin: germline. Affected: yes.
Comment: In silico analysis supports that this missense variant has a deleterious effect on protein structure/function; Has not been previously published as pathogenic or benign to our knowledge

NM_001354604.2(MITF):c.1538G>A (p.Arg513Gln)

Gene: MITF (melanocyte inducing transcription factor; plus strand). Cytogenetic location: 3p13.
Variant type: single nucleotide variant.
Coding change: c.1538G>A on transcript NM_001354604.2 (MANE Select); coding-DNA position 1538, G replaced by A.
Protein change: p.Arg513Gln; replaces arginine 513 with glutamine.
Molecular consequence: missense variant.
Genome position (GRCh38, 1-based): chr3:69,965,205, G>A. VCF-style: chr3-69965205-G-A. GRCh37 (hg19) VCF-style: chr3-70014356-G-A.
Other names: c.1217G>A, p.Arg406Gln (NM_000248.4); c.1364G>A, p.Arg455Gln (NM_001184967.2, NM_001354608.2); c.1535G>A, p.Arg512Gln (NM_001354605.2); c.1517G>A, p.Arg506Gln (NM_001354606.2, NM_006722.3); c.1469G>A, p.Arg490Gln (NM_001354607.2); c.1199G>A, p.Arg400Gln (NM_198158.3); c.1520G>A, p.Arg507Gln (NM_198159.3); c.1472G>A, p.Arg491Gln (NM_198177.3); and 1 more; short protein forms R406Q, R491Q, R455Q, R507Q, R512Q, R344Q, R400Q, R513Q.
Identifiers: ClinVar variation 452346 (VCV000452346.9), dbSNP rs1018390529, ClinGen allele CA77003531.
Genomic context (GRCh38, chr3:69,965,205, plus strand): 5'-TCGGTGTCACTGATCCACTCCTTTCCTCAGTGTCCCCCGGAGCTTCCAAAACAAGCAGCC[G>A]GAGGAGCAGTATGAGCATGGAAGAGACGGAGCACACTTGTTAGCGAATCCTCCCTGCACT-3'
Protein context (NP_001341533.1, residues 503-523): VSPGASKTSS[Arg513Gln]RSSMSMEETE